The following is an entry in ClinVar:

ClinVar aggregate classification (germline): Conflicting classifications of pathogenicity. Review status: criteria provided, conflicting classifications (1 of 4 stars). 3 submissions from 3 submitters: Uncertain significance (1); Likely benign (2). Last evaluated 2025-11-23.

Conditions:
Tuberous sclerosis syndrome (TSC). Also called: Tuberous sclerosis; Tuberous Sclerosis Complex. Identifiers: Orphanet 805, MedGen C0041341, MONDO:0001734.
Tuberous sclerosis 2 (TSC2). Identifiers: Orphanet 805, MedGen C1860707, MONDO:0013199, OMIM 613254.

Submissions (3):

Labcorp Genetics (formerly Invitae), Labcorp
Classification: Likely benign for Tuberous sclerosis 2. Last evaluated: 2025-11-23. Review status: criteria provided, single submitter. Criteria: Invitae Variant Classification Sherloc (09022015). Collection method: clinical testing. Allele origin: germline.

Color Diagnostics, LLC DBA Color Health
Classification: Uncertain significance for Tuberous sclerosis syndrome. Last evaluated: 2023-11-28. Review status: criteria provided, single submitter. Criteria: ACMG Guidelines, 2015. Collection method: clinical testing. Allele origin: germline.
Comment: This variant causes a 3 nucleotide deletion in intron 12 of the TSC2 gene. Splice site prediction tools predict that this variant may have a significant impact on RNA splicing, although this prediction has not been confirmed in published RNA studies. To our knowledge, functional studies have not been reported for this variant. This variant has not been reported in individuals affected with TSC2-related disorders in the literature. This variant has been identified in 4/233416 chromosomes in the general population by the Genome Aggregation Database (gnomAD). The available evidence is insufficient to determine the role of this variant in disease conclusively. Therefore, this variant is classified as a Variant of Uncertain Significance.

GeneDx
Classification: Likely benign. Last evaluated: 2021-06-24. Review status: criteria provided, single submitter. Criteria: GeneDx Variant Classification Process June 2021. Collection method: clinical testing. Allele origin: germline. Affected: yes.
Comment: This variant is associated with the following publications: (PMID: 27535533)

NM_000548.5(TSC2):c.1258-10_1258-8del

Gene: TSC2 (TSC complex subunit 2; plus strand). Cytogenetic location: 16p13.3.
Variant type: Microsatellite.
Coding change: c.1258-10_1258-8del on transcript NM_000548.5 (MANE Select); 10 bases into the intron before coding-DNA position 1258 through 8 bases into the intron before coding-DNA position 1258, 3 bases deleted (CTT; older notation c.1258-10_1258-8delCTT).
Molecular consequence: intron variant.
Genome position (GRCh38, 1-based): chr16:2,062,487-2,062,489, CTT deleted; deleting any 3 consecutive bases within chr16:2,062,483-2,062,489 gives the same sequence; the c. name uses the placement nearest the transcript's 3' end. VCF-style (leftmost placement, unchanged base first): chr16-2062482-CTCT-C. GRCh37 (hg19) VCF-style: chr16-2112483-CTCT-C.
Other names: c.1258-10_1258-8del (NM_001114382.3, NM_021055.3, NM_001370405.1 and 3 more transcripts); c.1147-10_1147-8del (NM_001318827.2); c.658-10_658-8del (NM_001318831.2); c.1111-10_1111-8del (NM_001318829.2); c.1291-10_1291-8del (NM_001318832.2).
Identifiers: ClinVar variation 1193282 (VCV001193282.10), dbSNP rs767749967, ClinGen allele CA276777698.